The following is an entry in ClinVar:

ClinVar aggregate classification (germline): Conflicting classifications of pathogenicity. Review status: criteria provided, conflicting classifications (1 of 4 stars). 2 submissions from 2 submitters: Uncertain significance (1); Likely benign (1). Last evaluated 2025-10-29.

Conditions:
Renal cell carcinoma. Identifiers: Orphanet 217071, MedGen C0007134, MeSH D002292, MONDO:0005086, HP:0005584.
Hereditary cancer-predisposing syndrome. Also called: Neoplastic Syndromes, Hereditary; Hereditary Cancer Syndrome; Tumor predisposition; Hereditary neoplastic syndrome. Identifiers: Orphanet 140162, MedGen C0027672, MeSH D009386, MONDO:0015356.

Allele frequency attached by ClinVar (database versions not stated): gnomAD exomes below 0.00001.
gnomAD v4.1: 1 of 1,614,016 alleles (0.000062%); highest among the groups gnomAD compares: African/African-American, 0.0013%; no homozygotes.

Submissions (2):

Ambry Genetics
Classification: Likely benign for Hereditary cancer-predisposing syndrome. Last evaluated: 2025-10-29. Review status: criteria provided, single submitter. Criteria: Ambry Variant Classification Scheme 2023. Collection method: clinical testing. Allele origin: germline.

Labcorp Genetics (formerly Invitae), Labcorp
Classification: Uncertain significance for Renal cell carcinoma. Last evaluated: 2021-02-02. Review status: criteria provided, single submitter. Criteria: Invitae Variant Classification Sherloc (09022015). Collection method: clinical testing. Allele origin: germline.
Comment: This variant is not present in population databases (ExAC no frequency). This sequence change replaces histidine with asparagine at codon 58 of the MET protein (p.His58Asn). The histidine residue is weakly conserved and there is a small physicochemical difference between histidine and asparagine. This variant has not been reported in the literature in individuals with MET-related conditions. Algorithms developed to predict the effect of missense changes on protein structure and function (SIFT, PolyPhen-2, Align-GVGD) all suggest that this variant is likely to be tolerated, but these predictions have not been confirmed by published functional studies and their clinical significance is uncertain. In summary, the available evidence is currently insufficient to determine the role of this variant in disease. Therefore, it has been classified as a Variant of Uncertain Significance.

NM_000245.4(MET):c.172C>A (p.His58Asn)

Gene: MET (MET proto-oncogene, receptor tyrosine kinase; plus strand). Cytogenetic location: 7q31.2.
Variant type: single nucleotide variant.
Coding change: c.172C>A on transcript NM_000245.4 (MANE Select); coding-DNA position 172, C replaced by A.
Protein change: p.His58Asn; replaces histidine 58 with asparagine.
Molecular consequence: missense variant. On other transcripts: intron variant (1).
Genome position (GRCh38, 1-based): chr7:116,699,256, C>A. VCF-style: chr7-116699256-C-A. GRCh37 (hg19) VCF-style: chr7-116339310-C-A.
Other names: c.172C>A (NM_001127500.1); c.172C>A, p.His58Asn (NM_001127500.3, NM_001324401.3); c.-91+26679C>A (NM_001324402.2); short protein forms H58N.
Identifiers: ClinVar variation 1477038 (VCV001477038.9), dbSNP rs1791464742, ClinGen allele CA368968491.